The following is an entry in ClinVar:

ClinVar aggregate classification (germline): Uncertain significance. Review status: criteria provided, multiple submitters, no conflicts (2 of 4 stars). 2 submissions from 2 submitters: Uncertain significance (2). Last evaluated 2024-02-09.

Conditions:
Primary ciliary dyskinesia 9. Also called: CILIARY DYSKINESIA, PRIMARY, 9, WITH OR WITHOUT SITUS INVERSUS. Identifiers: Orphanet 244, MedGen C2676235, MONDO:0012906, OMIM 612444.

Allele frequency attached by ClinVar (database versions not stated): ExAC 0.00001; gnomAD exomes 0.00001 and 0.00004; gnomAD 0.00005; TOPMed 0.00006.
gnomAD v4.1: 14 of 1,613,596 alleles (0.00087%); highest among the groups gnomAD compares: Admixed American, 0.022%; no homozygotes.

Submissions (2):

GeneDx
Classification: Uncertain significance. Last evaluated: 2024-02-09. Review status: criteria provided, single submitter. Criteria: GeneDx Variant Classification Process June 2021. Collection method: clinical testing. Allele origin: germline. Affected: yes.
Comment: In silico analysis supports a deleterious effect on splicing; Has not been previously published as pathogenic or benign to our knowledge

Illumina Laboratory Services, Illumina
Classification: Uncertain significance for Primary ciliary dyskinesia 9. Last evaluated: 2018-02-16. Review status: criteria provided, single submitter. Criteria: ICSL Variant Classification Criteria 13 December 2019. Collection method: clinical testing. Allele origin: germline.

NM_023036.6(DNAI2):c.467+3A>G

Gene: DNAI2 (dynein axonemal intermediate chain 2; plus strand). Cytogenetic location: 17q25.1.
Variant type: single nucleotide variant.
Coding change: c.467+3A>G on transcript NM_023036.6 (MANE Select); 3 bases into the intron after coding-DNA position 467, A replaced by G.
Molecular consequence: intron variant.
Genome position (GRCh38, 1-based): chr17:74,287,101, A>G. VCF-style: chr17-74287101-A-G. GRCh37 (hg19) VCF-style: chr17-72283240-A-G.
Other names: c.467+3A>G (NM_001353167.2, NM_001172810.3).
Identifiers: ClinVar variation 889223 (VCV000889223.5), dbSNP rs751915388, ClinGen allele CA8745361.